The following is an entry in ClinVar:

ClinVar aggregate classification (germline): Uncertain significance (1 of 4 stars; one submission).

Conditions:
Werner syndrome (WRN). Identifiers: Orphanet 902, MedGen C0043119, MONDO:0010196, OMIM 277700.

Allele frequency attached by ClinVar (database versions not stated): TOPMed 0.00001.
gnomAD v4.1: 1 of 1,612,242 alleles (0.000062%); highest among the groups gnomAD compares: Non-Finnish European, 0.000085%; no homozygotes.

Submission:

Labcorp Genetics (formerly Invitae), Labcorp
Classification: Uncertain significance for Werner syndrome. Last evaluated: 2020-12-06. Review status: criteria provided, single submitter. Criteria: Invitae Variant Classification Sherloc (09022015). Collection method: clinical testing. Allele origin: germline.
Comment: In summary, the available evidence is currently insufficient to determine the role of this variant in disease. Therefore, it has been classified as a Variant of Uncertain Significance. Nucleotide substitutions within the consensus splice site are a relatively common cause of aberrant splicing (PMID: 17576681, 9536098). Algorithms developed to predict the effect of sequence changes on RNA splicing suggest that this variant may disrupt the consensus splice site, but this prediction has not been confirmed by published transcriptional studies. This variant has not been reported in the literature in individuals with WRN-related conditions. This variant is not present in population databases (ExAC no frequency). This sequence change affects codon 477 of the WRN mRNA. It is a 'silent' change, meaning that it does not change the encoded amino acid sequence of the WRN protein. This variant also falls at the last nucleotide of exon 11 of the WRN coding sequence, which is part of the consensus splice site for this exon.

Literature cited by the submitters: PubMed 17576681; PubMed 9536098.

NM_000553.6(WRN):c.1431G>A (p.Lys477=)

Gene: WRN (WRN RecQ like helicase; plus strand). Cytogenetic location: 8p12.
Variant type: single nucleotide variant.
Coding change: c.1431G>A on transcript NM_000553.6 (MANE Select); coding-DNA position 1431, G replaced by A.
Protein change: p.Lys477=; no amino-acid change (lysine 477 retained).
Molecular consequence: synonymous variant.
Genome position (GRCh38, 1-based): chr8:31,085,246, G>A. VCF-style: chr8-31085246-G-A. GRCh37 (hg19) VCF-style: chr8-30942762-G-A.
Identifiers: ClinVar variation 864651 (VCV000864651.6), dbSNP rs376705983, ClinGen allele CA460225355.